The following is an entry in ClinVar:

ClinVar aggregate classification (germline): Benign (0 of 4 stars; one submission).

Conditions:
SUCLG2-related disorder. Also called: SUCLG2-related condition.

Allele frequency attached by ClinVar (database versions not stated): ESP Exome Variant Server 0.00595; TOPMed 0.00637; 1000 Genomes Project 30x 0.00703; 1000 Genomes Project 0.00759; gnomAD 0.00896.
gnomAD v4.1: 16,658 of 1,611,836 alleles (1%); highest among the groups gnomAD compares: South Asian, 2.2%; 149 homozygotes.

Submission:

PreventionGenetics, part of Exact Sciences
Classification: Benign for SUCLG2-related condition. Last evaluated: 2019-09-12. Review status: no assertion criteria provided. Collection method: clinical testing. Allele origin: germline.
Comment: This variant is classified as benign based on ACMG/AMP sequence variant interpretation guidelines (Richards et al. 2015 PMID: 25741868, with internal and published modifications).

NM_003848.4(SUCLG2):c.1184-7C>T

Gene: SUCLG2 (succinate-CoA ligase GDP-forming subunit beta; minus strand). Cytogenetic location: 3p14.1.
Variant type: single nucleotide variant.
Coding change: c.1184-7C>T on transcript NM_003848.4 (MANE Select); 7 bases into the intron before coding-DNA position 1184, C replaced by T.
Molecular consequence: intron variant.
Genome position (GRCh38, 1-based): chr3:67,375,866, G>A on the plus strand (C>T on the coding strand, the complement: SUCLG2 is on the minus strand). VCF-style: chr3-67375866-G-A. GRCh37 (hg19) VCF-style: chr3-67426290-G-A.
Other names: c.1184-15098C>T (NM_001177599.2).
Identifiers: ClinVar variation 3056433 (VCV003056433.2), dbSNP rs185820586, ClinGen allele CA2485739.